The following is an entry in ClinVar:

NM_022124.6(CDH23):c.5712+1G>A

Gene: CDH23 (cadherin related 23; plus strand). Cytogenetic location: 10q22.1.
Variant type: single nucleotide variant.
Coding change: c.5712+1G>A on transcript NM_022124.6 (MANE Select); the canonical splice donor site of the intron after coding-DNA position 5712, G replaced by A.
Molecular consequence: splice donor variant.
Genome position (GRCh38, 1-based): chr10:71,785,101, G>A. VCF-style: chr10-71785101-G-A. GRCh37 (hg19) VCF-style: chr10-73544858-G-A.
Identifiers: ClinVar variation 45988 (VCV000045988.10), dbSNP rs397517341, ClinGen allele CA261787.

ClinVar aggregate classification (germline): Pathogenic/Likely pathogenic. Review status: criteria provided, multiple submitters, no conflicts (2 of 4 stars). 5 submissions from 5 submitters: Pathogenic (1); Likely pathogenic (3). 1 of the submissions does not count toward it. Last evaluated 2025-10-23.

Conditions:
Rare genetic deafness. Identifiers: Orphanet 96210, MedGen C5680250.
Pituitary adenoma 5, multiple types. Identifiers: MedGen C4539685, MONDO:0054601, OMIM 617540.
Usher syndrome type 1 (USH1). Also called: RETINITIS PIGMENTOSA AND CONGENITAL DEAFNESS. Identifiers: Orphanet 231169, Orphanet 886, MedGen C1568247, MONDO:0010168, OMIM 276900.

Allele frequency attached by ClinVar (database versions not stated): gnomAD exomes below 0.00001.
gnomAD v4.1: 2 of 1,613,002 alleles (0.00012%); highest among the groups gnomAD compares: Non-Finnish European, 0.00017%; no homozygotes.

Submissions (5):

Natera, Inc.
Classification: Likely pathogenic for Usher syndrome type 1. Last evaluated: 2025-10-23. Review status: criteria provided, single submitter. Criteria: Natera Variant Classification Schema (03/2026). Collection method: clinical testing. Allele origin: germline.
Comment: The c.5712+1G>A variant in CDH23 is a canonical splice donor site variant predicted to affect pre-mRNA splicing, which may result in an abnormal transcript and altered protein product. This variant is expected to result in nonsense mediated decay, truncation, or a dysfunctional protein product. This variant is rare in the general population with a frequency below the threshold expected for the associated phenotype(s). This variant has been observed in one or more individuals affected with the associated recessive disease, as either homozygous or compound heterozygous with a second variant (PMID: 27631835). Given the available evidence, this variant is classified as Likely Pathogenic.

Institute for Genomic Medicine (IGM) Clinical Laboratory, Nationwide Children's Hospital
Classification: Likely pathogenic for Pituitary adenoma 5, multiple types. Last evaluated: 2024-10-17. Review status: criteria provided, single submitter. Criteria: ACMG Guidelines, 2015. Collection method: clinical testing. Allele origin: germline.
Comment: This variant is predicted to result in loss of function through nonsense-mediated decay of the encoded transcript or premature truncation of the encoded protein in a gene in which loss of function is a known mechanism of disease (ACMG/AMP: PVS1; PMIDs:11138009, 21940737). This variant is absent from or present at an exceedingly low frequency in gnomAD, a large-scale control population database (ACMG/AMP: PM2).

Labcorp Genetics (formerly Invitae), Labcorp
Classification: Likely pathogenic. Last evaluated: 2023-10-17. Review status: criteria provided, single submitter. Criteria: Invitae Variant Classification Sherloc (09022015). Collection method: clinical testing. Allele origin: germline.
Comment: This sequence change affects a donor splice site in intron 43 of the CDH23 gene. It is expected to disrupt RNA splicing. Variants that disrupt the donor or acceptor splice site typically lead to a loss of protein function (PMID: 16199547), and loss-of-function variants in CDH23 are known to be pathogenic (PMID: 11138009, 21940737). This variant is not present in population databases (gnomAD no frequency). This variant has not been reported in the literature in individuals affected with CDH23-related conditions. ClinVar contains an entry for this variant (Variation ID: 45988). Algorithms developed to predict the effect of sequence changes on RNA splicing suggest that this variant may disrupt the consensus splice site. In summary, the currently available evidence indicates that the variant is pathogenic, but additional data are needed to prove that conclusively. Therefore, this variant has been classified as Likely Pathogenic.

Baylor Genetics
Classification: Pathogenic for Pituitary adenoma 5, multiple types. Last evaluated: 2023-02-24. Review status: criteria provided, single submitter. Criteria: ACMG Guidelines, 2015. Collection method: clinical testing. Allele origin: unknown.

Laboratory for Molecular Medicine, Mass General Brigham Personalized Medicine
Classification: Pathogenic for Rare genetic deafness. Last evaluated: 2012-02-20. Review status: no assertion criteria provided. Collection method: clinical testing. Allele origin: germline. Inheritance: Autosomal recessive inheritance. Observed: 2 variant alleles. Not counted in ClinVar's aggregate classification.
Comment: The 5712+1G>A variant in CDH23 has not been reported in the literature. The 5712 +1G>A variant is predicted to cause abnormal splicing because the nucleotide sub stitution occurs in the invariant region of the splice consensus sequence. In su mmary, this variant also meets our criteria to be classified as pathogenic.

Literature cited by the submitters: PubMed 27631835 (cited by Natera, Inc.); PubMed 11138009 (cited by Institute for Genomic Medicine (IGM) Clinical Laboratory, Nationwide Children's Hospital and Labcorp Genetics (formerly Invitae), Labcorp); PubMed 21940737 (cited by Institute for Genomic Medicine (IGM) Clinical Laboratory, Nationwide Children's Hospital and Labcorp Genetics (formerly Invitae), Labcorp); PubMed 16199547 (cited by Labcorp Genetics (formerly Invitae), Labcorp).